The following is an entry in ClinVar:

ClinVar aggregate classification (germline): Conflicting classifications of pathogenicity. Review status: criteria provided, conflicting classifications (1 of 4 stars). 6 submissions from 6 submitters: Uncertain significance (1); Likely benign (4). 1 of the submissions does not count toward it. Last evaluated 2026-03-01.

Conditions:
PYCR1-related disorder. Also called: PYCR1-related condition.
Cutis laxa. Identifiers: Orphanet 209, MedGen C0010495, MONDO:0016175, HP:0000973.

Allele frequency attached by ClinVar (database versions not stated): 1000 Genomes Project 0.00020; ExAC 0.00025; gnomAD 0.00025 and 0.00029; gnomAD exomes 0.00030 and 0.00037; TOPMed 0.00030; 1000 Genomes Project 30x 0.00031; ESP Exome Variant Server 0.00038.
gnomAD v4.1: 603 of 1,612,960 alleles (0.037%); highest among the groups gnomAD compares: Non-Finnish European, 0.044%; no homozygotes.

Submissions (6):

CeGaT Center for Human Genetics Tuebingen
Classification: Likely benign. Last evaluated: 2026-03-01. Review status: criteria provided, single submitter. Criteria: CeGaT Center For Human Genetics Tuebingen Variant Classification Criteria Version 2. Collection method: clinical testing. Allele origin: germline. Affected: yes. Observed: 2 variant alleles.
Comment: PYCR1: BP4, BP7

Labcorp Genetics (formerly Invitae), Labcorp
Classification: Likely benign. Last evaluated: 2025-12-23. Review status: criteria provided, single submitter. Criteria: Invitae Variant Classification Sherloc (09022015). Collection method: clinical testing. Allele origin: germline.

Blueprint Genetics
Classification: Likely benign. Last evaluated: 2024-11-18. Review status: criteria provided, single submitter. Criteria: ACMG Guidelines, 2015. Collection method: clinical testing. Allele origin: germline.

GeneDx
Classification: Likely benign. Last evaluated: 2020-08-04. Review status: criteria provided, single submitter. Criteria: GeneDx Variant Classification Process June 2021. Collection method: clinical testing. Allele origin: germline. Affected: yes.

Illumina Laboratory Services, Illumina
Classification: Uncertain significance for Cutis laxa. Last evaluated: 2018-01-13. Review status: criteria provided, single submitter. Criteria: ICSL Variant Classification Criteria 13 December 2019. Collection method: clinical testing. Allele origin: germline.

PreventionGenetics, part of Exact Sciences
Classification: Likely benign for PYCR1-related condition. Last evaluated: 2019-07-16. Review status: no assertion criteria provided. Collection method: clinical testing. Allele origin: germline. Not counted in ClinVar's aggregate classification.
Comment: This variant is classified as likely benign based on ACMG/AMP sequence variant interpretation guidelines (Richards et al. 2015 PMID: 25741868, with internal and published modifications).

NM_006907.4(PYCR1):c.285C>T (p.Cys95=)

Gene: PYCR1 (pyrroline-5-carboxylate reductase 1; minus strand). Cytogenetic location: 17q25.3.
Variant type: single nucleotide variant.
Coding change: c.285C>T on transcript NM_006907.4 (MANE Select); coding-DNA position 285, C replaced by T.
Protein change: p.Cys95=; no amino-acid change (cysteine 95 retained).
Molecular consequence: synonymous variant.
Genome position (GRCh38, 1-based): chr17:81,935,370, G>A on the plus strand (C>T on the coding strand, the complement: PYCR1 is on the minus strand). VCF-style: chr17-81935370-G-A. GRCh37 (hg19) VCF-style: chr17-79893246-G-A.
Other names: c.285C>T, p.Cys95= (NM_001282279.2, NM_001282280.2, NM_001330523.2 and 1 more transcripts); c.366C>T, p.Cys122= (NM_001282281.2).
Identifiers: ClinVar variation 325910 (VCV000325910.39), dbSNP rs113491328, ClinGen allele CA8845507.
Genomic context (GRCh38, chr17:81,935,370, plus strand): 5'-CACACCCCACTGGGCCTGCGGTGCTACCTTCTCAATGGAGCTGATGGTGACGCCGGCCGC[G>A]CAGGACACCACAATGTGTCTGTCCTCAATGTCGGCGCCTATTTCATCCAGGATGAAGGGG-3'
Protein context (NP_008838.2, residues 85-105): DIEDRHIVVS[Cys95=]AAGVTISSIE